The following is an entry in ClinVar:

NM_199511.3(CCDC80):c.1401C>T (p.Arg467=)

Gene: CCDC80 (coiled-coil domain containing 80; minus strand). Cytogenetic location: 3q13.2.
Variant type: single nucleotide variant.
Coding change: c.1401C>T on transcript NM_199511.3 (MANE Select); coding-DNA position 1401, C replaced by T.
Protein change: p.Arg467=; no amino-acid change (arginine 467 retained).
Molecular consequence: synonymous variant.
Genome position (GRCh38, 1-based): chr3:112,638,505, G>A on the plus strand (C>T on the coding strand, the complement: CCDC80 is on the minus strand). VCF-style: chr3-112638505-G-A. GRCh37 (hg19) VCF-style: chr3-112357352-G-A.
Other names: c.1401C>T, p.Arg467= (NM_199512.3).
Identifiers: ClinVar variation 2654033 (VCV002654033.24), dbSNP rs760782964, ClinGen allele CA2540583.

ClinVar aggregate classification (germline): Likely benign (1 of 4 stars; one submission).

Allele frequency attached by ClinVar (database versions not stated): gnomAD 0.00001; gnomAD exomes 0.00001; ExAC 0.00002.
gnomAD v4.1: 21 of 1,613,928 alleles (0.0013%); highest among the groups gnomAD compares: Middle Eastern, 0.033%; no homozygotes.

Submission:

CeGaT Center for Human Genetics Tuebingen
Classification: Likely benign. Last evaluated: 2022-07-01. Review status: criteria provided, single submitter. Criteria: CeGaT Center For Human Genetics Tuebingen Variant Classification Criteria Version 2. Collection method: clinical testing. Allele origin: germline. Affected: yes. Observed: 1 variant allele.
Comment: CCDC80: BP4, BP7